The following is an entry in ClinVar:

ClinVar aggregate classification (germline): Likely benign. Review status: criteria provided, single submitter (1 of 4 stars). 2 submissions from 2 submitters: Likely benign (1). 1 of the submissions does not count toward it. Last evaluated 2025-02-06.

Conditions:
GJB3-related disorder. Also called: GJB3-related condition.

Allele frequency attached by ClinVar (database versions not stated): ExAC 0.00002; gnomAD 0.00002; gnomAD exomes 0.00004; TOPMed 0.00005; ESP Exome Variant Server 0.00008.
gnomAD v4.1: 63 of 1,614,072 alleles (0.0039%); highest among the groups gnomAD compares: East Asian, 0.031%; no homozygotes.

Submissions (2):

Labcorp Genetics (formerly Invitae), Labcorp
Classification: Likely benign. Last evaluated: 2025-02-06. Review status: criteria provided, single submitter. Criteria: Invitae Variant Classification Sherloc (09022015). Collection method: clinical testing. Allele origin: germline.

PreventionGenetics, part of Exact Sciences
Classification: Likely benign for GJB3-related condition. Last evaluated: 2019-06-25. Review status: no assertion criteria provided. Collection method: clinical testing. Allele origin: germline. Not counted in ClinVar's aggregate classification.
Comment: This variant is classified as likely benign based on ACMG/AMP sequence variant interpretation guidelines (Richards et al. 2015 PMID: 25741868, with internal and published modifications).

NM_024009.3(GJB3):c.87C>T (p.Phe29=)

Gene: GJB3 (gap junction protein beta 3; plus strand). Cytogenetic location: 1p34.3.
Variant type: single nucleotide variant.
Coding change: c.87C>T on transcript NM_024009.3 (MANE Select); coding-DNA position 87, C replaced by T.
Protein change: p.Phe29=; no amino-acid change (phenylalanine 29 retained).
Molecular consequence: synonymous variant.
Genome position (GRCh38, 1-based): chr1:34,784,849, C>T. VCF-style: chr1-34784849-C-T. GRCh37 (hg19) VCF-style: chr1-35250450-C-T.
Other names: c.87C>T, p.Phe29= (NM_001005752.2).
Identifiers: ClinVar variation 3033859 (VCV003033859.3), dbSNP rs201567729, ClinGen allele CA754739.